The following is an entry in ClinVar:

NC_000020.10:g.(?_32332889)_(32336898_?)dup

Gene: ZNF341 (zinc finger protein 341; plus strand). Cytogenetic location: 20q11.22.
Variant type: Duplication.
Identifiers: ClinVar variation 2427076 (VCV002427076.4).

ClinVar aggregate classification (germline): Likely pathogenic (1 of 4 stars; one submission).

Submission:

Labcorp Genetics (formerly Invitae), Labcorp
Classification: Likely pathogenic. Last evaluated: 2022-03-01. Review status: criteria provided, single submitter. Criteria: Invitae Variant Classification Sherloc (09022015). Collection method: clinical testing. Allele origin: germline.
Comment: In summary, the currently available evidence indicates that the variant is pathogenic, but additional data are needed to prove that conclusively. Therefore, this variant has been classified as Likely Pathogenic. This variant has not been reported in the literature in individuals affected with ZNF341-related conditions. This variant results in a copy number gain of the genomic region encompassing exon(s) 3-4 of the ZNF341 gene. While the exact position of this variant cannot be determined from the data, sub-genic copy number gains are generally in tandem (PMID: 25640679). This variant is predicted to be out-of-frame, and may result in an absent or disrupted protein product. Loss-of-function variants in ZNF341 are known to be pathogenic (PMID: 29907690, 29907691).

Literature cited by the submitters: PubMed 25640679; PubMed 29907690; PubMed 29907691.